The following is an entry in ClinVar:

NM_000051.4(ATM):c.5828A>G (p.Lys1943Arg)

Genes: ATM (ATM serine/threonine kinase; plus strand), C11orf65 (chromosome 11 open reading frame 65; minus strand). Cytogenetic location: 11q22.3.
Variant type: single nucleotide variant.
Coding change: c.5828A>G on transcript NM_000051.4 (MANE Select); coding-DNA position 5828, A replaced by G.
Protein change: p.Lys1943Arg; replaces lysine 1943 with arginine.
Molecular consequence: missense variant. On other transcripts: intron variant (2).
Genome position (GRCh38, 1-based): chr11:108,310,225, A>G. VCF-style: chr11-108310225-A-G. GRCh37 (hg19) VCF-style: chr11-108180952-A-G.
Other names: c.5828A>G, p.Lys1943Arg (NM_001351834.2); c.641-1154T>C (NM_001330368.2); c.*39-1154T>C (NM_001351110.2); short protein forms K1943R.
Identifiers: ClinVar variation 524239 (VCV000524239.22), dbSNP rs746676271, ClinGen allele CA6265790.

ClinVar aggregate classification (germline): Uncertain significance. Review status: criteria provided, multiple submitters, no conflicts (2 of 4 stars). 4 submissions from 4 submitters: Uncertain significance (3). 1 of the submissions does not count toward it. Last evaluated 2025-01-23.

Conditions:
Hereditary cancer-predisposing syndrome. Also called: Hereditary Cancer Syndrome; Neoplastic Syndromes, Hereditary; Tumor predisposition; Hereditary neoplastic syndrome. Identifiers: Orphanet 140162, MedGen C0027672, MeSH D009386, MONDO:0015356.
Ataxia-telangiectasia syndrome (AT). Also called: Cerebello-oculocutaneous telangiectasia; Immunodeficiency with ataxia telangiectasia; Ataxia-telangiectasia, complementation group E; Ataxia-telangiectasia, complementation group D; AT, COMPLEMENTATION GROUP C; ATAXIA-TELANGIECTASIA, COMPLEMENTATION GROUP A. Identifiers: Orphanet 100, MedGen C0004135, MONDO:0008840, OMIM 208900.

Allele frequency attached by ClinVar (database versions not stated): gnomAD exomes 0.00001 and below 0.00001; ExAC 0.00001.
gnomAD v4.1: 6 of 1,613,700 alleles (0.00037%); highest among the groups gnomAD compares: South Asian, 0.0044%; no homozygotes.

Submissions (4):

Labcorp Genetics (formerly Invitae), Labcorp
Classification: Uncertain significance for Ataxia-telangiectasia syndrome. Last evaluated: 2025-01-23. Review status: criteria provided, single submitter. Criteria: Invitae Variant Classification Sherloc (09022015). Collection method: clinical testing. Allele origin: germline.
Comment: This sequence change replaces lysine, which is basic and polar, with arginine, which is basic and polar, at codon 1943 of the ATM protein (p.Lys1943Arg). This variant is present in population databases (rs746676271, gnomAD 0.006%). This variant has not been reported in the literature in individuals affected with ATM-related conditions. ClinVar contains an entry for this variant (Variation ID: 524239). Invitae Evidence Modeling of protein sequence and biophysical properties (such as structural, functional, and spatial information, amino acid conservation, physicochemical variation, residue mobility, and thermodynamic stability) indicates that this missense variant is not expected to disrupt ATM protein function with a negative predictive value of 95%. In summary, the available evidence is currently insufficient to determine the role of this variant in disease. Therefore, it has been classified as a Variant of Uncertain Significance.

Ambry Genetics
Classification: Uncertain significance for Hereditary cancer-predisposing syndrome. Last evaluated: 2024-10-08. Review status: criteria provided, single submitter. Criteria: Ambry Variant Classification Scheme 2023. Collection method: clinical testing. Allele origin: germline.
Comment: The p.K1943R variant (also known as c.5828A>G), located in coding exon 38 of the ATM gene, results from an A to G substitution at nucleotide position 5828. The lysine at codon 1943 is replaced by arginine, an amino acid with highly similar properties. This alteration was seen in 1/732 breast cancer patients, 0/189 colorectal cancer patients and 0/490 cancer-free elderly controls in a Turkish population (Akcay IM et al. Int J Cancer, 2021 01;148:285-295). This amino acid position is not well conserved in available vertebrate species. In addition, this alteration is predicted to be tolerated by in silico analysis. Based on the available evidence, the clinical significance of this variant remains unclear.

Color Diagnostics, LLC DBA Color Health
Classification: Uncertain significance for Hereditary cancer-predisposing syndrome. Last evaluated: 2018-12-14. Review status: criteria provided, single submitter. Criteria: ACMG Guidelines, 2015. Collection method: clinical testing. Allele origin: germline.

Natera, Inc.
Classification: Uncertain significance for Ataxia-telangiectasia. Last evaluated: 2019-10-28. Review status: no assertion criteria provided. Collection method: clinical testing. Allele origin: germline. Not counted in ClinVar's aggregate classification.

Literature cited by the submitters: PubMed 32658311 (cited by Ambry Genetics).